The following is an entry in ClinVar:

ClinVar aggregate classification (germline): Likely pathogenic. Review status: criteria provided, multiple submitters, no conflicts (2 of 4 stars). 5 submissions from 5 submitters: Likely pathogenic (4). 1 of the submissions does not count toward it. Last evaluated 2026-01-22.

Conditions:
Maple syrup urine disease type 1A (MSUD1A). Also called: MSUD type 1A. Identifiers: MedGen C1855369, MONDO:0023691, OMIM 248600.
Maple syrup urine disease (MSUD). Identifiers: Orphanet 511, MedGen C0024776, MeSH D008375, MONDO:0009563. Disease mechanism: loss of function.

Allele frequency attached by ClinVar (database versions not stated): gnomAD exomes below 0.00001; gnomAD 0.00001; TOPMed below 0.00001; ExAC 0.00001.
gnomAD v4.1: 8 of 1,614,078 alleles (0.0005%); highest among the groups gnomAD compares: South Asian, 0.0022%; no homozygotes.

Submissions (5):

Natera, Inc.
Classification: Likely pathogenic for Maple syrup urine disease type 1A. Last evaluated: 2026-01-22. Review status: criteria provided, single submitter. Criteria: Natera Variant Classification Schema (03/2026). Collection method: clinical testing. Allele origin: germline.
Comment: The c.745G>A variant in BCKDHA is a missense variant predicted to cause substitution of glycine to serine at amino acid 249. This variant is rare in the general population with a frequency below the threshold expected for the associated phenotype(s). This variant has been observed in one or more individuals affected with the associated recessive disease, as either homozygous or compound heterozygous with a second variant (PMID: 31980395, 20431954). Computational prediction algorithms indicate this variant is likely to affect gene or protein function. Given the available evidence, this variant is classified as Likely Pathogenic.

Fulgent Genetics
Classification: Likely pathogenic for Maple syrup urine disease type 1A. Last evaluated: 2024-06-07. Review status: criteria provided, single submitter. Criteria: ACMG Guidelines, 2015. Collection method: clinical testing. Allele origin: germline.

Labcorp Genetics (formerly Invitae), Labcorp
Classification: Likely pathogenic for Maple syrup urine disease. Last evaluated: 2024-01-31. Review status: criteria provided, single submitter. Criteria: Invitae Variant Classification Sherloc (09022015). Collection method: clinical testing. Allele origin: germline.
Comment: This sequence change replaces glycine, which is neutral and non-polar, with serine, which is neutral and polar, at codon 249 of the BCKDHA protein (p.Gly249Ser). This variant is present in population databases (rs137852874, gnomAD 0.003%). This missense change has been observed in individual(s) with maple syrup urine disease (PMID: 9582350, 20431954, 31980395). In at least one individual the data is consistent with being in trans (on the opposite chromosome) from a pathogenic variant. This variant is also known as Gly204Ser. ClinVar contains an entry for this variant (Variation ID: 2380). Advanced modeling of protein sequence and biophysical properties (such as structural, functional, and spatial information, amino acid conservation, physicochemical variation, residue mobility, and thermodynamic stability) has been performed at Invitae for this missense variant, however the output from this modeling did not meet the statistical confidence thresholds required to predict the impact of this variant on BCKDHA protein function. Experimental studies have shown that this missense change affects BCKDHA function (PMID: 9582350). In summary, the currently available evidence indicates that the variant is pathogenic, but additional data are needed to prove that conclusively. Therefore, this variant has been classified as Likely Pathogenic.

Genetic Services Laboratory, University of Chicago
Classification: Likely pathogenic. Last evaluated: 2021-07-19. Review status: criteria provided, single submitter. Criteria: ACMG Guidelines, 2015. Collection method: clinical testing. Allele origin: germline. Affected: yes.
Comment: DNA sequence analysis of the BCKDHA gene demonstrated a sequence change, c.745G>A, in exon 6 that results in an amino acid change, p.Gly249Ser. This sequence change has been described in one Latino/admixed American individual in the gnomAD population database (dbSNP rs137852874). This sequence change has been described in the compound heterozygous state in individuals with maple syrup urine disease (PMIDs: 20431954, 30863923). The p.Gly249Ser change affects a moderately conserved amino acid residue located in a domain of the BCKDHA protein that is known to be functional. Functional studies show p.Gly249Ser disrupts the functional activity of the BCKDHA protein (PMID: 9582350). Collectively, this evidence suggests p.Gly249Ser is likely pathogenic.

OMIM
Classification: Pathogenic for MAPLE SYRUP URINE DISEASE, TYPE IA. Last evaluated: 1998-05-22. Review status: no assertion criteria provided. Collection method: literature only. Allele origin: germline. Not counted in ClinVar's aggregate classification.

Literature cited by the submitters: PubMed 31980395 (cited by Natera, Inc. and Labcorp Genetics (formerly Invitae), Labcorp); PubMed 20431954 (cited by Natera, Inc. and Labcorp Genetics (formerly Invitae), Labcorp); PubMed 9582350 (cited by Labcorp Genetics (formerly Invitae), Labcorp and OMIM).

NM_000709.4(BCKDHA):c.745G>A (p.Gly249Ser)

Gene: BCKDHA (branched chain keto acid dehydrogenase E1 subunit alpha; plus strand). Cytogenetic location: 19q13.2.
Variant type: single nucleotide variant.
Coding change: c.745G>A on transcript NM_000709.4 (MANE Select); coding-DNA position 745, G replaced by A.
Protein change: p.Gly249Ser; replaces glycine 249 with serine.
Molecular consequence: missense variant.
Genome position (GRCh38, 1-based): chr19:41,422,262, G>A. VCF-style: chr19-41422262-G-A. GRCh37 (hg19) VCF-style: chr19-41928167-G-A.
Other names: G204S; c.745G>A, p.Gly249Ser (NM_001164783.2); short protein forms G249S.
Identifiers: ClinVar variation 2380 (VCV000002380.18), dbSNP rs137852874, ClinGen allele CA115515.
Genomic context (GRCh38, chr19:41,422,262, plus strand): 5'-AACAGGGTCGTCATCTGTTACTTCGGCGAGGGGGCAGCCAGTGAGGGGGACGCCCATGCC[G>A]GCTTCAACTTCGCTGCCACACTTGAGTGCCCCATCATCTTCTTCTGCCGGAACAATGGCT-3'
Protein context (NP_000700.1, residues 239-259): GAASEGDAHA[Gly249Ser]FNFAATLECP